The following is an entry in ClinVar:

ClinVar aggregate classification (germline): Uncertain significance (1 of 4 stars; one submission).

gnomAD v4.1: 1 of 1,613,812 alleles (0.000062%); highest among the groups gnomAD compares: African/African-American, 0.0013%; no homozygotes.

Submission:

Mayo Clinic Laboratories, Mayo Clinic
Classification: Uncertain significance. Last evaluated: 2025-06-17. Review status: criteria provided, single submitter. Criteria: ACMG Guidelines, 2015. Collection method: clinical testing. Allele origin: germline. Observed: 1 variant allele.
Comment: PP3_moderate, PM2_supporting

NM_000312.4(PROC):c.727A>T (p.Ile243Phe)

Gene: PROC (protein C, inactivator of coagulation factors Va and VIIIa; plus strand). Cytogenetic location: 2q14.3.
Variant type: single nucleotide variant.
Coding change: c.727A>T on transcript NM_000312.4 (MANE Select); coding-DNA position 727, A replaced by T.
Protein change: p.Ile243Phe; replaces isoleucine 243 with phenylalanine.
Molecular consequence: missense variant.
Genome position (GRCh38, 1-based): chr2:127,427,153, A>T. VCF-style: chr2-127427153-A-T. GRCh37 (hg19) VCF-style: chr2-128184729-A-T.
Other names: p.Ile243Phe; c.910A>T, p.Ile304Phe (NM_001375602.1); c.892A>T, p.Ile298Phe (NM_001375603.1); c.790A>T, p.Ile264Phe (NM_001375604.1); c.829A>T, p.Ile277Phe (NM_001375605.1); c.895A>T, p.Ile299Phe (NM_001375606.1); c.913A>T, p.Ile305Phe (NM_001375607.1); c.670A>T, p.Ile224Phe (NM_001375608.1); and 3 more; short protein forms I298F, I277F, I304F, I235F, I299F, I305F, I224F, I241F.
Identifiers: ClinVar variation 4540673 (VCV004540673.1).